The following is an entry in ClinVar:

ClinVar aggregate classification (germline): Uncertain significance (1 of 4 stars; one submission).

Conditions:
Autosomal dominant non-syndromic intellectual disability. Identifiers: Orphanet 178469, MedGen C5680502, MONDO:0015802.

Submission:

Department of Human Genetics, University Hospital Bern, Inselspital
Classification: Uncertain significance for Autosomal dominant non-syndromic intellectual disability. Last evaluated: 2026-05-03. Review status: criteria provided, single submitter. Criteria: ACMG Guidelines, 2015. Collection method: clinical testing. Allele origin: unknown. Affected: yes.
Comment: The missense variant affects a conserved amino acid in the KA1 domain and is predicted to have a damaging effect by AlphaMissense and PrimateAI-3D. Functional assays in Drosophila indicate a loss-of-function effect. The variant is absent from gnomAD v4.1.0. In summary, criteria PS3_Moderate, PM2_Supporting and PP3_Supporting were used.

Literature cited by the submitters: PubMed 42509346.

NM_001256627.2(BRSK2):c.1651G>A (p.Val551Met)

Gene: BRSK2 (BR serine/threonine kinase 2; plus strand). Cytogenetic location: 11p15.5.
Variant type: single nucleotide variant.
Coding change: c.1651G>A on transcript NM_001256627.2 (MANE Select); coding-DNA position 1651, G replaced by A.
Protein change: p.Val551Met; replaces valine 551 with methionine.
Molecular consequence: missense variant. On other transcripts: non-coding transcript variant (1).
Genome position (GRCh38, 1-based): chr11:1,454,591, G>A. VCF-style: chr11-1454591-G-A. GRCh37 (hg19) VCF-style: chr11-1475821-G-A.
Other names: c.1651G>A, p.Val551Met (NM_001256629.2, NM_003957.4); c.1789G>A, p.Val597Met (NM_001256630.1, NM_001440667.1); c.1471G>A, p.Val491Met (NM_001282218.2, NM_001440669.1, NM_001440673.1 and 3 more transcripts); c.2083G>A, p.Val695Met (NM_001440665.1); c.2017G>A, p.Val673Met (NM_001440666.1); c.1717G>A, p.Val573Met (NM_001440668.1, NM_001440670.1); c.1537G>A, p.Val513Met (NM_001440671.1, NM_001440672.1); short protein forms V491M, V513M, V551M, V573M, V597M, V673M, V695M.
Identifiers: ClinVar variation 4849554 (VCV004849554.1).